The following is an entry in ClinVar:

NC_000011.9:g.(?_117232531)_(117233274_?)del

Gene: CEP164 (centrosomal protein 164; plus strand). Cytogenetic location: 11q23.3.
Variant type: Deletion.
Identifiers: ClinVar variation 2426022 (VCV002426022.4).

ClinVar aggregate classification (germline): Uncertain significance (1 of 4 stars; one submission).

Conditions:
Nephronophthisis 15 (NPHP15). Identifiers: Orphanet 3156, MedGen C3541853, MONDO:0013917, OMIM 614845.

Submission:

Labcorp Genetics (formerly Invitae), Labcorp
Classification: Uncertain significance for Nephronophthisis 15. Last evaluated: 2022-06-18. Review status: criteria provided, single submitter. Criteria: Invitae Variant Classification Sherloc (09022015). Collection method: clinical testing. Allele origin: germline.
Comment: Experimental studies and prediction algorithms are not available or were not evaluated, and the functional significance of this variant is currently unknown. In summary, the available evidence is currently insufficient to determine the role of this variant in disease. Therefore, it has been classified as a Variant of Uncertain Significance. This variant has not been reported in the literature in individuals affected with CEP164-related conditions. This variant is a gross deletion of the genomic region encompassing exon(s) 6-7 of the CEP164 gene. This variant would be expected to be in-frame, preserving the integrity of the reading frame.